The following is an entry in ClinVar:

ClinVar aggregate classification (germline): Pathogenic/Likely pathogenic. Review status: criteria provided, multiple submitters, no conflicts (2 of 4 stars). 2 submissions from 2 submitters: Pathogenic (1); Likely pathogenic (1). Last evaluated 2026-10-13.

Conditions:
PIGG-related disorder. Also called: PIGG-related condition.

Submissions (2):

GeneDx
Classification: Pathogenic. Last evaluated: 2026-10-13. Review status: criteria provided, single submitter. Criteria: GeneDx Variant Classification Process June 2021. Collection method: clinical testing. Allele origin: germline.
Comment: Frameshift variant predicted to result in protein truncation or nonsense mediated decay in a gene for which loss of function is a known mechanism of disease; Not observed at significant frequency in large population cohorts (gnomAD); This variant is associated with the following publications: (PMID: 34113002)

Blueprint Genetics
Classification: Likely pathogenic for PIGG-related disorders. Last evaluated: 2024-10-31. Review status: criteria provided, single submitter. Criteria: ACMG Guidelines, 2015. Collection method: clinical testing. Allele origin: germline. Affected: yes. Observed: 2 variant alleles.

NM_001127178.3(PIGG):c.1210del (p.Leu404fs)

Gene: PIGG (phosphatidylinositol glycan anchor biosynthesis class G (EMM blood group); plus strand). Cytogenetic location: 4p16.3.
Variant type: Deletion.
Coding change: c.1210del on transcript NM_001127178.3 (MANE Select); coding-DNA position 1210, one base deleted (C; older notation c.1210delC).
Protein change: p.Leu404fs; shifts the reading frame from leucine 404.
Molecular consequence: frameshift variant. On other transcripts: non-coding transcript variant (10), intron variant (1), 5 prime UTR variant (2).
Genome position (GRCh38, 1-based): chr4:521,151, C deleted; the last of 2 consecutive C bases (chr4:521,150-521,151); deleting either gives the same sequence. VCF-style (leftmost placement, unchanged base first): chr4-521149-AC-A. GRCh37 (hg19) VCF-style: chr4-514938-AC-A.
Other names: c.943del, p.Leu315fs (NM_001289051.2, NM_001289053.2, NM_001345986.2 and 1 more transcripts); c.811del, p.Leu271fs (NM_001289052.2); c.844del, p.Leu282fs (NM_001289055.2); c.848-509del (NM_001289057.2); c.181del, p.Leu61fs (NM_001345988.2); c.1210del, p.Leu404fs (NM_001345989.2, NM_017733.5); c.-278del (NM_001345990.2, NM_001345991.2); c.136del, p.Leu46fs (NM_001345994.2); short protein forms L271fs, L282fs, L315fs, L404fs, L46fs, L61fs.
Identifiers: ClinVar variation 1214420 (VCV001214420.8), dbSNP rs767849509, ClinGen allele CA2793242.
Genomic context (GRCh38, chr4:521,149, plus strand): 5'-GATTGCATGGGAACTGGATCAGACTGTACTTGGAGGAAAAGCATTCAGAAGTCCTATTCA[AC>A]CTGGGCTCCAAGGTTCTCAGGCAGTACCTGGATGCTCTGAAGACGCTGAGCTTGTCCCTG-3'